The following is an entry in ClinVar:

NM_000392.5(ABCC2):c.2884-2A>G

Gene: ABCC2 (ATP binding cassette subfamily C member 2; plus strand). Cytogenetic location: 10q24.2.
Variant type: single nucleotide variant.
Coding change: c.2884-2A>G on transcript NM_000392.5 (MANE Select); the canonical splice acceptor site of the intron before coding-DNA position 2884, A replaced by G.
Molecular consequence: splice acceptor variant.
Genome position (GRCh38, 1-based): chr10:99,831,609, A>G. VCF-style: chr10-99831609-A-G. GRCh37 (hg19) VCF-style: chr10-101591366-A-G.
Identifiers: ClinVar variation 2747194 (VCV002747194.3), dbSNP rs2493011181, ClinGen allele CA378121381.

ClinVar aggregate classification (germline): Likely pathogenic (1 of 4 stars; one submission).

Submission:

Labcorp Genetics (formerly Invitae), Labcorp
Classification: Likely pathogenic. Last evaluated: 2023-07-26. Review status: criteria provided, single submitter. Criteria: Invitae Variant Classification Sherloc (09022015). Collection method: clinical testing. Allele origin: germline.
Comment: In summary, the currently available evidence indicates that the variant is pathogenic, but additional data are needed to prove that conclusively. Therefore, this variant has been classified as Likely Pathogenic. This sequence change affects an acceptor splice site in intron 21 of the ABCC2 gene. It is expected to disrupt RNA splicing. Variants that disrupt the donor or acceptor splice site typically lead to a loss of protein function (PMID: 16199547), and loss-of-function variants in ABCC2 are known to be pathogenic (PMID: 9185779, 16549534, 16952291). This variant is not present in population databases (gnomAD no frequency). This variant has not been reported in the literature in individuals affected with ABCC2-related conditions. Algorithms developed to predict the effect of sequence changes on RNA splicing suggest that this variant may disrupt the consensus splice site.

Literature cited by the submitters: PubMed 16199547; PubMed 9185779; PubMed 16549534; PubMed 16952291.